The following is an entry in ClinVar:

ClinVar aggregate classification (germline): Conflicting classifications of pathogenicity. Review status: criteria provided, conflicting classifications (1 of 4 stars). 3 submissions from 3 submitters: Uncertain significance (2); Likely benign (1). Last evaluated 2026-02-06.

Conditions:
Hereditary cancer-predisposing syndrome. Also called: Neoplastic Syndromes, Hereditary; Tumor predisposition; Hereditary Cancer Syndrome; Hereditary neoplastic syndrome. Identifiers: Orphanet 140162, MedGen C0027672, MeSH D009386, MONDO:0015356.
Mitochondrial complex II deficiency, nuclear type 1. Also called: SUCCINATE CoQ REDUCTASE DEFICIENCY. Identifiers: Orphanet 3208, MedGen C5700310, MONDO:0100294, OMIM 252011.
Neurodegeneration with ataxia and late-onset optic atrophy. Identifiers: MedGen C5543254, MONDO:0031006, OMIM 619259.
Dilated cardiomyopathy 1GG (CMD1GG). Identifiers: Orphanet 154, MedGen C3150898, MONDO:0013339, OMIM 613642.
Pheochromocytoma/paraganglioma syndrome 5. Also called: Paragangliomas 5; SDHA-Related Hereditary Paraganglioma-Pheochromocytoma Syndrome. Identifiers: Orphanet 29072, MedGen C3279992, MONDO:0013602, OMIM 614165.

Submissions (3):

Ambry Genetics
Classification: Likely benign for Hereditary cancer-predisposing syndrome. Last evaluated: 2026-02-06. Review status: criteria provided, single submitter. Criteria: Ambry Variant Classification Scheme 2023. Collection method: clinical testing. Allele origin: germline.

Labcorp Genetics (formerly Invitae), Labcorp
Classification: Uncertain significance for Pheochromocytoma/paraganglioma syndrome 5; Mitochondrial complex II deficiency, nuclear type 1. Last evaluated: 2025-11-02. Review status: criteria provided, single submitter. Criteria: Invitae Variant Classification Sherloc (09022015). Collection method: clinical testing. Allele origin: germline.
Comment: This sequence change replaces alanine, which is neutral and non-polar, with valine, which is neutral and non-polar, at codon 17 of the SDHA protein (p.Ala17Val). This variant is not present in population databases (gnomAD no frequency). This variant has not been reported in the literature in individuals affected with SDHA-related conditions. ClinVar contains an entry for this variant (Variation ID: 3438713). Invitae Evidence Modeling of protein sequence and biophysical properties (such as structural, functional, and spatial information, amino acid conservation, physicochemical variation, residue mobility, and thermodynamic stability) indicates that this missense variant is not expected to disrupt SDHA protein function with a negative predictive value of 95%. In summary, the available evidence is currently insufficient to determine the role of this variant in disease. Therefore, it has been classified as a Variant of Uncertain Significance.

Fulgent Genetics
Classification: Uncertain significance for Mitochondrial complex II deficiency, nuclear type 1; Dilated cardiomyopathy 1GG; Pheochromocytoma/paraganglioma syndrome 5; Neurodegeneration with ataxia and late-onset optic atrophy. Last evaluated: 2024-01-02. Review status: criteria provided, single submitter. Criteria: ACMG Guidelines, 2015. Collection method: clinical testing. Allele origin: germline.

NM_004168.4(SDHA):c.50C>T (p.Ala17Val)

Gene: SDHA (succinate dehydrogenase complex flavoprotein subunit A; plus strand). Cytogenetic location: 5p15.33.
Variant type: single nucleotide variant.
Coding change: c.50C>T on transcript NM_004168.4 (MANE Select); coding-DNA position 50, C replaced by T.
Protein change: p.Ala17Val; replaces alanine 17 with valine.
Molecular consequence: missense variant.
Genome position (GRCh38, 1-based): chr5:218,405, C>T. VCF-style: chr5-218405-C-T. GRCh37 (hg19) VCF-style: chr5-218520-C-T.
Other names: c.50C>T, p.Ala17Val (NM_001294332.2, NM_001330758.2); short protein forms A17V.
Identifiers: ClinVar variation 3438713 (VCV003438713.4).